The following is an entry in ClinVar:

ClinVar aggregate classification (germline): Conflicting classifications of pathogenicity. Review status: criteria provided, conflicting classifications (1 of 4 stars). 6 submissions from 6 submitters: Uncertain significance (3); Likely benign (2). 1 of the submissions does not count toward it. Last evaluated 2025-08-13.

Conditions:
POLG-related disorder. Also called: POLG-Related Spectrum Disorders; POLG-related condition; POLG-Related Disorders. Identifiers: MedGen C4763519.
Progressive sclerosing poliodystrophy (MTDPS4A). Also called: Mitochondrial DNA Depletion Syndrome 4A; Alpers-Huttenlocher Syndrome (AHS); ALPERS PROGRESSIVE INFANTILE POLIODYSTROPHY; NEURONAL DEGENERATION OF CHILDHOOD WITH LIVER DISEASE, PROGRESSIVE; Mitochondrial DNA depletion syndrome 4A (Alpers type); Alpers Syndrome. Identifiers: Orphanet 726, MedGen C0205710, MONDO:0008758, OMIM 203700.

Allele frequency attached by ClinVar (database versions not stated): TOPMed 0.00001; ExAC 0.00020; 1000 Genomes Project 0.00060; 1000 Genomes Project 30x 0.00078.
gnomAD v4.1: 148 of 1,608,740 alleles (0.0092%); highest among the groups gnomAD compares: South Asian, 0.14%; 1 homozygote.

Submissions (6):

GeneDx
Classification: Uncertain significance. Last evaluated: 2025-08-13. Review status: criteria provided, single submitter. Criteria: GeneDx Variant Classification Process June 2021. Collection method: clinical testing. Allele origin: germline. Affected: yes.
Comment: Has not been previously published as pathogenic or benign to our knowledge; In silico analysis suggests this variant may impact gene splicing. In the absence of RNA/functional studies, the actual effect of this sequence change is unknown.

Labcorp Genetics (formerly Invitae), Labcorp
Classification: Likely benign for Progressive sclerosing poliodystrophy. Last evaluated: 2025-04-26. Review status: criteria provided, single submitter. Criteria: Invitae Variant Classification Sherloc (09022015). Collection method: clinical testing. Allele origin: germline.

Athena Diagnostics
Classification: Likely benign. Last evaluated: 2020-08-24. Review status: criteria provided, single submitter. Criteria: Athena Diagnostics criteria. Collection method: clinical testing. Allele origin: unknown.

Eurofins Ntd Llc (ga)
Classification: Uncertain significance. Last evaluated: 2018-02-23. Review status: criteria provided, single submitter. Criteria: EGL ClinVar v180209 classification definitions. Collection method: clinical testing. Allele origin: germline. Observed: 1 variant allele, 1 heterozygote.

Illumina Laboratory Services, Illumina
Classification: Uncertain significance for POLG-Related Spectrum Disorders. Last evaluated: 2018-01-13. Review status: criteria provided, single submitter. Criteria: ICSL Variant Classification Criteria 13 December 2019. Collection method: clinical testing. Allele origin: germline.

PreventionGenetics, part of Exact Sciences
Classification: Likely benign for POLG-related condition. Last evaluated: 2020-03-09. Review status: no assertion criteria provided. Collection method: clinical testing. Allele origin: germline. Not counted in ClinVar's aggregate classification.
Comment: This variant is classified as likely benign based on ACMG/AMP sequence variant interpretation guidelines (Richards et al. 2015 PMID: 25741868, with internal and published modifications).

NM_002693.3(POLG):c.1905G>A (p.Pro635=)

Gene: POLG (DNA polymerase gamma, catalytic subunit; minus strand). Cytogenetic location: 15q26.1.
Variant type: single nucleotide variant.
Coding change: c.1905G>A on transcript NM_002693.3 (MANE Select); coding-DNA position 1905, G replaced by A.
Protein change: p.Pro635=; no amino-acid change (proline 635 retained).
Molecular consequence: synonymous variant.
Genome position (GRCh38, 1-based): chr15:89,325,494, C>T on the plus strand (G>A on the coding strand, the complement: POLG is on the minus strand). VCF-style: chr15-89325494-C-T. GRCh37 (hg19) VCF-style: chr15-89868725-C-T.
Other names: c.1905G>A, p.Pro635= (NM_001126131.2).
Identifiers: ClinVar variation 317330 (VCV000317330.24), dbSNP rs550592814, ClinGen allele CA7724665.